The following is an entry in ClinVar:

NM_000057.4(BLM):c.1515G>A (p.Trp505Ter)

Gene: BLM (BLM RecQ like helicase; plus strand). Cytogenetic location: 15q26.1.
Variant type: single nucleotide variant.
Coding change: c.1515G>A on transcript NM_000057.4 (MANE Select); coding-DNA position 1515, G replaced by A.
Protein change: p.Trp505Ter; replaces tryptophan 505 with a stop codon.
Molecular consequence: nonsense.
Genome position (GRCh38, 1-based): chr15:90,760,888, G>A. VCF-style: chr15-90760888-G-A. GRCh37 (hg19) VCF-style: chr15-91304118-G-A.
Other names: c.1515G>A, p.Trp505Ter (NM_001287246.2, NM_001287247.2); c.390G>A, p.Trp130Ter (NM_001287248.2); short protein forms W505*, W130*.
Identifiers: ClinVar variation 2586882 (VCV002586882.3), dbSNP rs1286401716, ClinGen allele CA393843228.

ClinVar aggregate classification (germline): Pathogenic/Likely pathogenic. Review status: criteria provided, multiple submitters, no conflicts (2 of 4 stars). 2 submissions from 2 submitters: Pathogenic (1); Likely pathogenic (1). Last evaluated 2023-07-28.

Conditions:
Hereditary cancer-predisposing syndrome. Also called: Hereditary neoplastic syndrome; Tumor predisposition; Hereditary Cancer Syndrome; Neoplastic Syndromes, Hereditary. Identifiers: Orphanet 140162, MedGen C0027672, MeSH D009386, MONDO:0015356.
Bloom syndrome (BLM). Also called: Bloom-Torre-Machacek syndrome. Identifiers: Orphanet 125, MedGen C0005859, MONDO:0008876, OMIM 210900.

Allele frequency attached by ClinVar (database versions not stated): TOPMed below 0.00001.
gnomAD v4.1: 1 of 1,613,810 alleles (0.000062%); highest among the groups gnomAD compares: Non-Finnish European, 0.000085%; no homozygotes.

Submissions (2):

Ambry Genetics
Classification: Pathogenic for Hereditary cancer-predisposing syndrome. Last evaluated: 2023-07-28. Review status: criteria provided, single submitter. Criteria: Ambry Variant Classification Scheme 2023. Collection method: clinical testing. Allele origin: germline.
Comment: The p.W505* pathogenic mutation (also known as c.1515G>A), located in coding exon 6 of the BLM gene, results from a G to A substitution at nucleotide position 1515. This changes the amino acid from a tryptophan to a stop codon within coding exon 6. This variant is considered to be rare based on population cohorts in the Genome Aggregation Database (gnomAD). This alteration is expected to result in loss of function by premature protein truncation or nonsense-mediated mRNA decay. As such, this alteration is interpreted as a disease-causing mutation.

Baylor Genetics
Classification: Likely pathogenic for Bloom syndrome. Last evaluated: 2023-07-02. Review status: criteria provided, single submitter. Criteria: ACMG Guidelines, 2015. Collection method: clinical testing. Allele origin: unknown.